The following is an entry in ClinVar:

NM_005334.3(HCFC1):c.1560C>T (p.Pro520=)

Gene: HCFC1 (host cell factor C1; minus strand). Cytogenetic location: Xq28.
Variant type: single nucleotide variant.
Coding change: c.1560C>T on transcript NM_005334.3 (MANE Select); coding-DNA position 1560, C replaced by T.
Protein change: p.Pro520=; no amino-acid change (proline 520 retained).
Molecular consequence: synonymous variant.
Genome position (GRCh38, 1-based): chrX:153,959,376, G>A on the plus strand (C>T on the coding strand, the complement: HCFC1 is on the minus strand). VCF-style: chrX-153959376-G-A. GRCh37 (hg19) VCF-style: chrX-153224827-G-A.
Identifiers: ClinVar variation 384242 (VCV000384242.4), dbSNP rs201117046, ClinGen allele CA10557486.

ClinVar aggregate classification (germline): Benign/Likely benign. Review status: criteria provided, multiple submitters, no conflicts (2 of 4 stars). 2 submissions from 2 submitters: Benign (1); Likely benign (1). Last evaluated 2024-06-23.

Conditions:
Methylmalonic acidemia with homocystinuria, type cblX (MAHCX). Also called: INTELLECTUAL DEVELOPMENTAL DISORDER, X-LINKED 3. Identifiers: Orphanet 369962, MedGen C0796208, MONDO:0010657, OMIM 309541.

Allele frequency attached by ClinVar (database versions not stated): gnomAD exomes 0.00004; ExAC 0.00005; gnomAD 0.00005; TOPMed 0.00007; ESP Exome Variant Server 0.00010; 1000 Genomes Project 30x 0.00021; 1000 Genomes Project 0.00026.
gnomAD v4.1: 130 of 1,210,661 alleles (0.011%); highest among the groups gnomAD compares: Non-Finnish European, 0.014%; no homozygotes.

Submissions (2):

Labcorp Genetics (formerly Invitae), Labcorp
Classification: Benign for Methylmalonic acidemia with homocystinuria, type cblX. Last evaluated: 2024-06-23. Review status: criteria provided, single submitter. Criteria: Invitae Variant Classification Sherloc (09022015). Collection method: clinical testing. Allele origin: germline.

GeneDx
Classification: Likely benign. Last evaluated: 2016-03-14. Review status: criteria provided, single submitter. Criteria: GeneDx Variant Classification (06012015). Collection method: clinical testing. Allele origin: germline. Affected: yes.
Comment: This variant is considered likely benign or benign based on one or more of the following criteria: it is a conservative change, it occurs at a poorly conserved position in the protein, it is predicted to be benign by multiple in silico algorithms, and/or has population frequency not consistent with disease.